The following is an entry in ClinVar:

ClinVar aggregate classification (germline): Uncertain significance (1 of 4 stars; one submission).

Conditions:
Epilepsy, childhood absence, susceptibility to, 1. Also called: Epilepsy, childhood absence 1. Identifiers: Orphanet 64280, MedGen C1838604, MONDO:0020759, OMIM 600131.
Epilepsy, childhood absence, susceptibility to, 5. Identifiers: Orphanet 64280, MedGen C2677087, MONDO:0012843, OMIM 612269.

Submission:

Labcorp Genetics (formerly Invitae), Labcorp
Classification: Uncertain significance for Epilepsy, childhood absence, susceptibility to, 5; Epilepsy, childhood absence, susceptibility to, 1. Last evaluated: 2023-01-11. Review status: criteria provided, single submitter. Criteria: Invitae Variant Classification Sherloc (09022015). Collection method: clinical testing. Allele origin: germline.
Comment: This sequence change replaces histidine, which is basic and polar, with tyrosine, which is neutral and polar, at codon 132 of the GABRB3 protein (p.His132Tyr). This variant is not present in population databases (gnomAD no frequency). This variant has not been reported in the literature in individuals affected with GABRB3-related conditions. ClinVar contains an entry for this variant (Variation ID: 1038248). Advanced modeling of protein sequence and biophysical properties (such as structural, functional, and spatial information, amino acid conservation, physicochemical variation, residue mobility, and thermodynamic stability) performed at Invitae indicates that this missense variant is expected to disrupt GABRB3 protein function. In summary, the available evidence is currently insufficient to determine the role of this variant in disease. Therefore, it has been classified as a Variant of Uncertain Significance.

NM_000814.6(GABRB3):c.394C>T (p.His132Tyr)

Gene: GABRB3 (gamma-aminobutyric acid type A receptor subunit beta3; minus strand). Cytogenetic location: 15q12.
Variant type: single nucleotide variant.
Coding change: c.394C>T on transcript NM_000814.6 (MANE Select); coding-DNA position 394, C replaced by T.
Protein change: p.His132Tyr; replaces histidine 132 with tyrosine.
Molecular consequence: missense variant. On other transcripts: non-coding transcript variant (1).
Genome position (GRCh38, 1-based): chr15:26,621,381, G>A on the plus strand (C>T on the coding strand, the complement: GABRB3 is on the minus strand). VCF-style: chr15-26621381-G-A. GRCh37 (hg19) VCF-style: chr15-26866528-G-A.
Other names: c.139C>T, p.His47Tyr (NM_001191320.2, NM_001278631.2); c.181C>T, p.His61Tyr (NM_001191321.3); c.394C>T, p.His132Tyr (NM_021912.5); short protein forms H132Y, H47Y, H61Y.
Identifiers: ClinVar variation 1038248 (VCV001038248.8), dbSNP rs1892476793, ClinGen allele CA391460768.